The following is an entry in ClinVar:

NM_007126.5(VCP):c.230G>T (p.Cys77Phe)

Gene: VCP (valosin containing protein; minus strand). Cytogenetic location: 9p13.3.
Variant type: single nucleotide variant.
Coding change: c.230G>T on transcript NM_007126.5 (MANE Select); coding-DNA position 230, G replaced by T.
Protein change: p.Cys77Phe; replaces cysteine 77 with phenylalanine.
Molecular consequence: missense variant.
Genome position (GRCh38, 1-based): chr9:35,067,963, C>A on the plus strand (G>T on the coding strand, the complement: VCP is on the minus strand). VCF-style: chr9-35067963-C-A. GRCh37 (hg19) VCF-style: chr9-35067960-C-A.
Other names: c.95G>T, p.Cys32Phe (NM_001354927.2, NM_001354928.2); short protein forms C32F, C77F.
Identifiers: ClinVar variation 2504537 (VCV002504537.1), dbSNP rs754802166, ClinGen allele CA373293910.

ClinVar aggregate classification (germline): Uncertain significance (1 of 4 stars; one submission).

gnomAD v4.1: 2 of 1,614,240 alleles (0.00012%); highest among the groups gnomAD compares: South Asian, 0.0011%; no homozygotes.

Submission:

GeneDx
Classification: Uncertain significance. Last evaluated: 2022-11-30. Review status: criteria provided, single submitter. Criteria: GeneDx Variant Classification Process June 2021. Collection method: clinical testing. Allele origin: germline. Affected: yes.
Comment: Not observed at significant frequency in large population cohorts (gnomAD); In silico analysis supports that this missense variant has a deleterious effect on protein structure/function; Has not been previously published as pathogenic or benign to our knowledge